The following is an entry in ClinVar:

NM_147127.5(EVC2):c.2666T>C (p.Phe889Ser)

Gene: EVC2 (EvC ciliary complex subunit 2; minus strand). Cytogenetic location: 4p16.2.
Variant type: single nucleotide variant.
Coding change: c.2666T>C on transcript NM_147127.5 (MANE Select); coding-DNA position 2666, T replaced by C.
Protein change: p.Phe889Ser; replaces phenylalanine 889 with serine.
Molecular consequence: missense variant.
Genome position (GRCh38, 1-based): chr4:5,618,518, A>G on the plus strand (T>C on the coding strand, the complement: EVC2 is on the minus strand). VCF-style: chr4-5618518-A-G. GRCh37 (hg19) VCF-style: chr4-5620245-A-G.
Other names: c.2426T>C, p.Phe809Ser (NM_001166136.2); short protein forms F809S, F889S.
Identifiers: ClinVar variation 3758042 (VCV003758042.2).

ClinVar aggregate classification (germline): Uncertain significance (1 of 4 stars; one submission).

Conditions:
Curry-Hall syndrome (WAD). Also called: WEYERS ACRODENTAL DYSOSTOSIS. Identifiers: Orphanet 952, MedGen C0457013, MONDO:0008673, OMIM 193530.
Ellis-van Creveld syndrome (EVC). Also called: EVC-Related Ellis-van Creveld Syndrome; EVC2-Related Ellis-van Creveld Syndrome; MESOECTODERMAL DYSPLASIA; Chondroectodermal dysplasia. Identifiers: Orphanet 289, MedGen C0013903, MONDO:0009162, OMIM 225500.

Submission:

Labcorp Genetics (formerly Invitae), Labcorp
Classification: Uncertain significance for Curry-Hall syndrome; Ellis-van Creveld syndrome. Last evaluated: 2024-05-01. Review status: criteria provided, single submitter. Criteria: Invitae Variant Classification Sherloc (09022015). Collection method: clinical testing. Allele origin: germline.
Comment: This sequence change replaces phenylalanine, which is neutral and non-polar, with serine, which is neutral and polar, at codon 889 of the EVC2 protein (p.Phe889Ser). This variant is not present in population databases (gnomAD no frequency). This variant has not been reported in the literature in individuals affected with EVC2-related conditions. Algorithms developed to predict the effect of missense changes on protein structure and function output the following: SIFT: "Not Available"; PolyPhen-2: "Benign"; Align-GVGD: "Not Available". The serine amino acid residue is found in multiple mammalian species, which suggests that this missense change does not adversely affect protein function. In summary, the available evidence is currently insufficient to determine the role of this variant in disease. Therefore, it has been classified as a Variant of Uncertain Significance.